The following is an entry in ClinVar:

ClinVar aggregate classification (germline): Pathogenic (1 of 4 stars; one submission).

Conditions:
Neuronal ceroid lipofuscinosis. Also called: Neuronal Ceroid Lipofuscinoses. Identifiers: Orphanet 216, Orphanet 79263, MedGen C0027877, MONDO:0016295. Disease mechanism: loss of function.

Submission:

Labcorp Genetics (formerly Invitae), Labcorp
Classification: Pathogenic for Neuronal ceroid lipofuscinosis. Last evaluated: 2023-06-06. Review status: criteria provided, single submitter. Criteria: Invitae Variant Classification Sherloc (09022015). Collection method: clinical testing. Allele origin: germline.
Comment: This variant has not been reported in the literature in individuals affected with CLN8-related conditions. This variant is not present in population databases (gnomAD no frequency). This variant, c.68_76del, results in the deletion of 3 amino acid(s) of the CLN8 protein (p.Ile23_Ser25del), but otherwise preserves the integrity of the reading frame. For these reasons, this variant has been classified as Pathogenic. This variant disrupts a region of the CLN8 protein in which other variant(s) (p.Arg24Gly) have been determined to be pathogenic (PMID: 10508524, 16828266). This suggests that this is a clinically significant region of the protein, and that variants that disrupt it are likely to be disease-causing.

Literature cited by the submitters: PubMed 10508524; PubMed 16828266.

NM_018941.4(CLN8):c.68_76del (p.Ile23_Ser25del)

Gene: CLN8 (CLN8 transmembrane ER and ERGIC protein; plus strand). Cytogenetic location: 8p23.3.
Variant type: Deletion.
Coding change: c.68_76del on transcript NM_018941.4 (MANE Select); coding-DNA positions 68 to 76, 9 bases deleted (TCCGCTCCA; older notation c.68_76delTCCGCTCCA).
Protein change: p.Ile23_Ser25del.
Molecular consequence: inframe deletion.
Genome position (GRCh38, 1-based): chr8:1,771,122-1,771,130, TCCGCTCCA deleted; deleting any 9 consecutive bases within chr8:1,771,121-1,771,130 gives the same sequence; the c. name uses the placement nearest the transcript's 3' end. VCF-style (leftmost placement, unchanged base first): chr8-1771120-GATCCGCTCC-G. GRCh37 (hg19) VCF-style: chr8-1719286-GATCCGCTCC-G.
Identifiers: ClinVar variation 2693723 (VCV002693723.3), dbSNP rs1308826929, ClinGen allele CA849329387.